The following is an entry in ClinVar:

NM_001267550.2(TTN):c.52008C>G (p.Val17336=)

Genes: TTN (titin; minus strand), TTN-AS1 (TTN antisense RNA 1; plus strand). Cytogenetic location: 2q31.2.
Variant type: single nucleotide variant.
Coding change: c.52008C>G on transcript NM_001267550.2 (MANE Select); coding-DNA position 52008, C replaced by G.
Protein change: p.Val17336=; no amino-acid change (valine 17336 retained).
Molecular consequence: synonymous variant.
Genome position (GRCh38, 1-based): chr2:178,609,302, G>C on the plus strand (C>G on the coding strand, the complement: TTN is on the minus strand). VCF-style: chr2-178609302-G-C. GRCh37 (hg19) VCF-style: chr2-179474029-G-C.
Other names: c.47085C>G, p.Val15695= (NM_001256850.1); c.24813C>G, p.Val8271= (NM_003319.4); c.44304C>G, p.Val14768= (NM_133378.4); c.25188C>G, p.Val8396= (NM_133432.3); c.25389C>G, p.Val8463= (NM_133437.4).
Identifiers: ClinVar variation 130669 (VCV000130669.33), dbSNP rs144507270, ClinGen allele CA155870.

ClinVar aggregate classification (germline): Benign/Likely benign. Review status: criteria provided, multiple submitters, no conflicts (2 of 4 stars). 13 submissions from 10 submitters: Benign (9); Likely benign (3). 1 of the submissions does not count toward it. Last evaluated 2026-01-27.

Conditions:
Cardiovascular phenotype. Identifiers: MedGen CN230736.
TTN-related disorder. Also called: TTN-related disorders; TTN-related condition; TTN-related disease.
Dilated cardiomyopathy 1G (CMD1G). Identifiers: Orphanet 154, MedGen C1858763, MONDO:0011400, OMIM 604145.
Autosomal recessive limb-girdle muscular dystrophy type 2J (LGMDR10). Also called: Limb-girdle muscular dystrophy, type 2J; MUSCULAR DYSTROPHY, LIMB-GIRDLE, AUTOSOMAL RECESSIVE 10. Identifiers: Orphanet 140922, MedGen C1837342, MONDO:0012127, OMIM 608807.
Tibial muscular dystrophy (TMD). Also called: UDD MYOPATHY; Tibial muscular dystrophy, tardive; Udd Distal Myopathy – Tibial Muscular Dystrophy. Identifiers: Orphanet 609, MedGen C1838244, MONDO:0010870, OMIM 600334.
Myopathy, myofibrillar, 9, with early respiratory failure (MFM9). Also called: MYOPATHY, PROXIMAL, WITH EARLY RESPIRATORY MUSCLE INVOLVEMENT; EDSTROM MYOPATHY; Hereditary myopathy with early respiratory failure; Myopathy, distal, with early respiratory failure, autosomal dominant. Identifiers: Orphanet 178464, Orphanet 34521, MedGen C1863599, MONDO:0011362, OMIM 603689.
Early-onset myopathy with fatal cardiomyopathy (CMYO5). Also called: Salih Myopathy; CONGENITAL MYOPATHY 5 WITH CARDIOMYOPATHY. Identifiers: Orphanet 289377, MedGen C2673677, MONDO:0012714, OMIM 611705. Disease mechanism: loss of function.

Allele frequency attached by ClinVar (database versions not stated): TOPMed 0.00037; 1000 Genomes Project 0.00080; gnomAD 0.00029; ESP Exome Variant Server 0.00041; 1000 Genomes Project 30x 0.00062; gnomAD exomes 0.00007; ExAC 0.00013.
gnomAD v4.1: 98 of 1,602,842 alleles (0.0061%); highest among the groups gnomAD compares: African/African-American, 0.12%; no homozygotes.

Submissions (13):

Labcorp Genetics (formerly Invitae), Labcorp
Classification: Benign for Dilated cardiomyopathy 1G; Autosomal recessive limb-girdle muscular dystrophy type 2J. Last evaluated: 2026-01-27. Review status: criteria provided, single submitter. Criteria: Invitae Variant Classification Sherloc (09022015). Collection method: clinical testing. Allele origin: germline.

Women's Health and Genetics/Laboratory Corporation of America, LabCorp
Classification: Likely benign. Last evaluated: 2025-11-04. Review status: criteria provided, single submitter. Criteria: LabCorp Variant Classification Summary - May 2015. Collection method: clinical testing. Allele origin: germline.

Molecular Diagnostic Laboratory for Inherited Cardiovascular Disease, Montreal Heart Institute
Classification: Benign. Last evaluated: 2025-04-09. Review status: criteria provided, single submitter. Criteria: ACMG Guidelines, 2015. Collection method: clinical testing. Allele origin: germline. Affected: no.

Genome-Nilou Lab
Classification: Benign for Autosomal recessive limb-girdle muscular dystrophy type 2J. Last evaluated: 2021-09-10. Review status: criteria provided, single submitter. Criteria: ACMG Guidelines, 2015. Collection method: clinical testing. Allele origin: germline. Affected: no.

Genome-Nilou Lab
Classification: Benign for Myopathy, myofibrillar, 9, with early respiratory failure. Last evaluated: 2021-09-10. Review status: criteria provided, single submitter. Criteria: ACMG Guidelines, 2015. Collection method: clinical testing. Allele origin: germline. Affected: no.

Genome-Nilou Lab
Classification: Benign for Early-onset myopathy with fatal cardiomyopathy. Last evaluated: 2021-09-10. Review status: criteria provided, single submitter. Criteria: ACMG Guidelines, 2015. Collection method: clinical testing. Allele origin: germline. Affected: no.

Genome-Nilou Lab
Classification: Benign for Tibial muscular dystrophy. Last evaluated: 2021-09-10. Review status: criteria provided, single submitter. Criteria: ACMG Guidelines, 2015. Collection method: clinical testing. Allele origin: germline. Affected: no.

ARUP Laboratories, Molecular Genetics and Genomics, ARUP Laboratories
Classification: Likely benign. Last evaluated: 2021-01-20. Review status: criteria provided, single submitter. Criteria: ARUP Molecular Germline Variant Investigation Process 2021. Collection method: clinical testing. Allele origin: germline.

GeneDx
Classification: Likely benign. Last evaluated: 2020-03-31. Review status: criteria provided, single submitter. Criteria: GeneDx Variant Classification Process June 2021. Collection method: clinical testing. Allele origin: germline. Affected: yes.

Ambry Genetics
Classification: Benign for Cardiovascular phenotype. Last evaluated: 2020-01-31. Review status: criteria provided, single submitter. Criteria: Ambry Variant Classification Scheme 2023. Collection method: clinical testing. Allele origin: germline.

Athena Diagnostics
Classification: Benign. Last evaluated: 2018-11-14. Review status: criteria provided, single submitter. Criteria: Athena Diagnostics Criteria. Collection method: clinical testing. Allele origin: germline.

Genetic Services Laboratory, University of Chicago
Classification: Benign for AllHighlyPenetrant. Last evaluated: 2013-12-04. Review status: criteria provided, single submitter. Criteria: ACMG Guidelines, 2007. Collection method: clinical testing. Allele origin: germline.

PreventionGenetics, part of Exact Sciences
Classification: Likely benign for TTN-related condition. Last evaluated: 2019-08-21. Review status: no assertion criteria provided. Collection method: clinical testing. Allele origin: germline. Not counted in ClinVar's aggregate classification.
Comment: This variant is classified as likely benign based on ACMG/AMP sequence variant interpretation guidelines (Richards et al. 2015 PMID: 25741868, with internal and published modifications).